The following is an entry in ClinVar:

ClinVar aggregate classification (germline): Pathogenic (1 of 4 stars; one submission).

Submission:

GeneDx
Classification: Pathogenic. Last evaluated: 2024-09-20. Review status: criteria provided, single submitter. Criteria: GeneDx Variant Classification Process June 2021. Collection method: clinical testing. Allele origin: germline. Affected: yes.
Comment: Identified in patients with features consistent with a COL7A1-related disorder referred for genetic testing at GeneDx and in the published literature (Almaani et al., 2009); Not observed at significant frequency in large population cohorts (gnomAD); In silico analysis supports that this missense variant has a deleterious effect on protein structure/function; Located in the highly conserved Gly-X-Y repeat of the collagenous domain; Glycine substitution variants in this region of the COLVII protein destabilize the collagen triple helix resulting in skin fragility due to poor anchoring of the basement membrane to the underlying dermis (PMID: 20301481); This variant is associated with the following publications: (PMID: 21448560, 19197535, 20301481)

NM_000094.4(COL7A1):c.5309G>A (p.Gly1770Asp)

Gene: COL7A1 (collagen type VII alpha 1 chain; minus strand). Cytogenetic location: 3p21.31.
Variant type: single nucleotide variant.
Coding change: c.5309G>A on transcript NM_000094.4 (MANE Select); coding-DNA position 5309, G replaced by A.
Protein change: p.Gly1770Asp; replaces glycine 1770 with aspartic acid.
Molecular consequence: missense variant.
Genome position (GRCh38, 1-based): chr3:48,579,276, C>T on the plus strand (G>A on the coding strand, the complement: COL7A1 is on the minus strand). VCF-style: chr3-48579276-C-T. GRCh37 (hg19) VCF-style: chr3-48616709-C-T.
Other names: short protein forms G1770D.
Identifiers: ClinVar variation 2136046 (VCV002136046.2), dbSNP rs2531055112, ClinGen allele CA352676060.
Genomic context (GRCh38, chr3:48,579,276, plus strand): 5'-GCGGCTCCTGGTTTCCCATCCAGTCCGCTCCGGCCATCCAGCCCAGGGGGACCCCGGTCA[C>T]CCTGTGGAAAATAGAGTGGTAAGAGGCCACCAAGGCTGAGGTGGATCTGATAACCCAGGC-3'
Protein context (NP_000085.1, residues 1760-1780): PGVRGPAGEK[Gly1770Asp]DRGPPGLDGR